The following is an entry in ClinVar:

ClinVar aggregate classification (germline): Benign (1 of 4 stars; one submission).

Conditions:
Cone-rod dystrophy 7 (CORD7). Identifiers: Orphanet 1872, MedGen C1863634, MONDO:0011355, OMIM 603649.

Allele frequency attached by ClinVar (database versions not stated): gnomAD 0.00044 and 0.00032; 1000 Genomes Project 0.00280; TOPMed 0.00046; 1000 Genomes Project 30x 0.00187.

Submission:

Illumina Laboratory Services, Illumina
Classification: Benign for Cone-rod dystrophy 7. Last evaluated: 2018-01-12. Review status: criteria provided, single submitter. Criteria: ICSL Variant Classification Criteria 13 December 2019. Collection method: clinical testing. Allele origin: germline.
Comment: This variant was observed in the ICSL laboratory as part of a predisposition screen in an ostensibly healthy population. It had not been previously curated by ICSL or reported in the Human Gene Mutation Database (HGMD: prior to June 1st, 2018), and was therefore a candidate for classification through an automated scoring system. Utilizing variant allele frequency, disease prevalence and penetrance estimates, and inheritance mode, an automated score was calculated to assess if this variant is too frequent to cause the disease. Based on the score and internal cut-off values, a variant classified as benign is not then subjected to further curation. The score for this variant resulted in a classification of benign for this disease.

NM_014989.7(RIMS1):c.*2291C>T

Gene: RIMS1 (regulating synaptic membrane exocytosis 1; plus strand). Cytogenetic location: 6q13.
Variant type: single nucleotide variant.
Coding change: c.*2291C>T on transcript NM_014989.7 (MANE Select); 2291 bases downstream of the stop codon, C replaced by T.
Molecular consequence: 3 prime UTR variant.
Genome position (GRCh38, 1-based): chr6:72,403,005, C>T. VCF-style: chr6-72403005-C-T. GRCh37 (hg19) VCF-style: chr6-73112707-C-T.
Other names: c.*2291C>T (NM_001168407.2, NM_001168408.2, NM_001168409.2 and 60 more transcripts).
Identifiers: ClinVar variation 357895 (VCV000357895.5), dbSNP rs78214534, ClinGen allele CA10627516.